The following is an entry in ClinVar:

ClinVar aggregate classification (germline): Conflicting classifications of pathogenicity. Review status: criteria provided, conflicting classifications (1 of 4 stars). 6 submissions from 6 submitters: Uncertain significance (3); Likely benign (2). 1 of the submissions does not count toward it. Last evaluated 2026-01-09.

Conditions:
Inborn genetic diseases. Identifiers: MedGen C0950123, MeSH D030342.
Nemaline myopathy 2 (NEM2). Also called: Nemaline myopathy 2, autosomal recessive. Identifiers: MedGen C1850569, MONDO:0009725, OMIM 256030.

Allele frequency attached by ClinVar (database versions not stated): TOPMed 0.00017; ESP Exome Variant Server 0.00032.
gnomAD v4.1: 381 of 1,613,670 alleles (0.024%); highest among the groups gnomAD compares: Non-Finnish European, 0.03%; no homozygotes.

Submissions (6):

Labcorp Genetics (formerly Invitae), Labcorp
Classification: Likely benign for Nemaline myopathy 2. Last evaluated: 2026-01-09. Review status: criteria provided, single submitter. Criteria: Invitae Variant Classification Sherloc (09022015). Collection method: clinical testing. Allele origin: germline.

Ambry Genetics
Classification: Uncertain significance for Inborn genetic diseases. Last evaluated: 2025-01-19. Review status: criteria provided, single submitter. Criteria: Ambry Variant Classification Scheme 2023. Collection method: clinical testing. Allele origin: germline.

Revvity Omics, Revvity
Classification: Uncertain significance. Last evaluated: 2023-10-09. Review status: criteria provided, single submitter. Criteria: ACMG Guidelines, 2015. Collection method: clinical testing. Allele origin: germline.

GeneDx
Classification: Likely benign. Last evaluated: 2018-01-29. Review status: criteria provided, single submitter. Criteria: GeneDx Variant Classification (06012015). Collection method: clinical testing. Allele origin: germline. Affected: yes.
Comment: This variant is considered likely benign or benign based on one or more of the following criteria: it is a conservative change, it occurs at a poorly conserved position in the protein, it is predicted to be benign by multiple in silico algorithms, and/or has population frequency not consistent with disease.

Illumina Laboratory Services, Illumina
Classification: Uncertain significance for Nemaline myopathy 2. Last evaluated: 2018-01-13. Review status: criteria provided, single submitter. Criteria: ICSL Variant Classification Criteria 13 December 2019. Collection method: clinical testing. Allele origin: germline.

Natera, Inc.
Classification: Uncertain significance for Nemaline myopathy type 2. Last evaluated: 2020-01-17. Review status: no assertion criteria provided. Collection method: clinical testing. Allele origin: germline. Not counted in ClinVar's aggregate classification.

NM_001164508.2(NEB):c.426T>A (p.Asp142Glu)

Gene: NEB (nebulin; minus strand). Cytogenetic location: 2q23.3.
Variant type: single nucleotide variant.
Coding change: c.426T>A on transcript NM_001164508.2 (MANE Select); coding-DNA position 426, T replaced by A.
Protein change: p.Asp142Glu; replaces aspartic acid 142 with glutamic acid.
Molecular consequence: missense variant.
Genome position (GRCh38, 1-based): chr2:151,724,938, A>T on the plus strand (T>A on the coding strand, the complement: NEB is on the minus strand). VCF-style: chr2-151724938-A-T. GRCh37 (hg19) VCF-style: chr2-152581452-A-T.
Other names: c.426T>A, p.Asp142Glu (NM_001164507.2, NM_001271208.2, NM_004543.5); short protein forms D142E.
Identifiers: ClinVar variation 517735 (VCV000517735.20), dbSNP rs200590080, ClinGen allele CA1911898.